The following is an entry in ClinVar:

ClinVar aggregate classification (germline): Uncertain significance. Review status: criteria provided, multiple submitters, no conflicts (2 of 4 stars). 2 submissions from 2 submitters: Uncertain significance (2). Last evaluated 2026-03-23.

Conditions:
Hereditary cancer-predisposing syndrome. Also called: Tumor predisposition; Neoplastic Syndromes, Hereditary; Hereditary Cancer Syndrome; Hereditary neoplastic syndrome. Identifiers: Orphanet 140162, MedGen C0027672, MeSH D009386, MONDO:0015356.
Neurofibromatosis, type 2 (SWNV). Also called: BILATERAL ACOUSTIC NEUROFIBROMATOSIS; SCHWANNOMATOSIS, VESTIBULAR; NF2-Related Schwannomatosis. Identifiers: Orphanet 637, MedGen C0027832, MONDO:0007039, OMIM 101000. Disease mechanism: loss of function.

Allele frequency attached by ClinVar (database versions not stated): TOPMed below 0.00001.

Submissions (2):

Ambry Genetics
Classification: Uncertain significance for Hereditary cancer-predisposing syndrome. Last evaluated: 2026-03-23. Review status: criteria provided, single submitter. Criteria: Ambry Variant Classification Scheme 2023. Collection method: clinical testing. Allele origin: germline.
Comment: The p.D201Y variant (also known as c.601G>T), located in coding exon 7 of the NF2 gene, results from a G to T substitution at nucleotide position 601. The aspartic acid at codon 201 is replaced by tyrosine, an amino acid with highly dissimilar properties. This alteration was identified in 1 of 45 patients with a clinical diagnosis of neurofibromatosis type 2 (NF2) (Heineman TE et al. Otol Neurotol, 2015 Jun;36:908-14). This amino acid position is highly conserved in available vertebrate species. In addition, this alteration is predicted to be deleterious by in silico analysis. Based on the available evidence, the clinical significance of this variant remains unclear.

Labcorp Genetics (formerly Invitae), Labcorp
Classification: Uncertain significance for Neurofibromatosis, type 2. Last evaluated: 2025-02-17. Review status: criteria provided, single submitter. Criteria: Invitae Variant Classification Sherloc (09022015). Collection method: clinical testing. Allele origin: germline.
Comment: This sequence change replaces aspartic acid, which is acidic and polar, with tyrosine, which is neutral and polar, at codon 201 of the NF2 protein (p.Asp201Tyr). This variant is not present in population databases (gnomAD no frequency). This missense change has been observed in individual(s) with clinical features of neurofibromatosis, type 2 (PMID: 25931164). ClinVar contains an entry for this variant (Variation ID: 1410093). An algorithm developed to predict the effect of missense changes on protein structure and function (PolyPhen-2) suggests that this variant is likely to be disruptive. In summary, the available evidence is currently insufficient to determine the role of this variant in disease. Therefore, it has been classified as a Variant of Uncertain Significance.

Literature cited by the submitters: PubMed 25931164 (cited by Ambry Genetics and Labcorp Genetics (formerly Invitae), Labcorp).

NM_000268.4(NF2):c.601G>T (p.Asp201Tyr)

Gene: NF2 (NF2, moesin-ezrin-radixin like (MERLIN) tumor suppressor; plus strand). Cytogenetic location: 22q12.2.
Variant type: single nucleotide variant.
Coding change: c.601G>T on transcript NM_000268.4 (MANE Select); coding-DNA position 601, G replaced by T.
Protein change: p.Asp201Tyr; replaces aspartic acid 201 with tyrosine.
Molecular consequence: missense variant. On other transcripts: non-coding transcript variant (1), intron variant (1).
Genome position (GRCh38, 1-based): chr22:29,658,190, G>T. VCF-style: chr22-29658190-G-T. GRCh37 (hg19) VCF-style: chr22-30054179-G-T.
Other names: c.601G>T, p.Asp201Tyr (NM_181832.3, NM_016418.5, NM_181825.3); c.447+15905G>T (NM_181833.3); c.475G>T, p.Asp159Tyr (NM_181828.3); c.478G>T, p.Asp160Tyr (NM_181829.3); c.352G>T, p.Asp118Tyr (NM_181830.3, NM_181831.3); c.601G>T (NM_000268.3); short protein forms D118Y, D159Y, D160Y, D201Y.
Identifiers: ClinVar variation 1410093 (VCV001410093.7), dbSNP rs2066370972, ClinGen allele CA411142963.